The following is an entry in ClinVar:

ClinVar aggregate classification (germline): Uncertain significance. Review status: criteria provided, multiple submitters, no conflicts (2 of 4 stars). 2 submissions from 2 submitters: Uncertain significance (2). Last evaluated 2026-07-16.

Conditions:
Inborn genetic diseases. Identifiers: MedGen C0950123, MeSH D030342.

Allele frequency attached by ClinVar (database versions not stated): gnomAD exomes below 0.00001; TOPMed below 0.00001; gnomAD 0.00001.
gnomAD v4.1: 2 of 1,605,066 alleles (0.00012%); highest among the groups gnomAD compares: Non-Finnish European, 0.00017%; no homozygotes.

Submissions (2):

Ambry Genetics
Classification: Uncertain significance for Inborn genetic diseases. Last evaluated: 2026-07-16. Review status: criteria provided, single submitter. Criteria: Ambry Variant Classification Scheme 2023. Collection method: clinical testing. Allele origin: germline.
Comment: The c.1414G>A (p.E472K) alteration is located in exon 9 (coding exon 9) of the NOTCH3 gene. This alteration results from a G to A substitution at nucleotide position 1414, causing the glutamic acid (E) at amino acid position 472 to be replaced by a lysine (K). Based on data from gnomAD, the A allele has an overall frequency of <0.001% (0/235204) total alleles studied. The highest observed frequency was <0.001% (/) of alleles. Based on insufficient or conflicting evidence, the clinical significance of this alteration remains unclear.

Athena Diagnostics
Classification: Uncertain significance. Last evaluated: 2021-12-12. Review status: criteria provided, single submitter. Criteria: Athena Diagnostics Criteria. Collection method: clinical testing. Allele origin: unknown.

NM_000435.3(NOTCH3):c.1414G>A (p.Glu472Lys)

Gene: NOTCH3 (notch receptor 3; minus strand). Cytogenetic location: 19p13.12.
Variant type: single nucleotide variant.
Coding change: c.1414G>A on transcript NM_000435.3 (MANE Select); coding-DNA position 1414, G replaced by A.
Protein change: p.Glu472Lys; replaces glutamic acid 472 with lysine.
Molecular consequence: missense variant.
Genome position (GRCh38, 1-based): chr19:15,188,313, C>T on the plus strand (G>A on the coding strand, the complement: NOTCH3 is on the minus strand). VCF-style: chr19-15188313-C-T. GRCh37 (hg19) VCF-style: chr19-15299124-C-T.
Other names: short protein forms E472K.
Identifiers: ClinVar variation 1807375 (VCV001807375.2), dbSNP rs1173660165, ClinGen allele CA404527140.